The following is an entry in ClinVar:

ClinVar aggregate classification (germline): Likely benign. Review status: criteria provided, multiple submitters, no conflicts (2 of 4 stars). 6 submissions from 5 submitters: Likely benign (6). Last evaluated 2026-01-26.

Conditions:
Inborn genetic diseases. Identifiers: MedGen C0950123, MeSH D030342.
Developmental and epileptic encephalopathy, 14 (DEE14). Also called: Early infantile epileptic encephalopathy 14. Identifiers: Orphanet 293181, MedGen C3554195, MONDO:0013989, OMIM 614959.
Autosomal dominant nocturnal frontal lobe epilepsy 5. Also called: KCNT1-Related Epilepsy; CILIARY DYSKINESIA, PRIMARY, 28, WITHOUT SITUS INVERSUS; CILIARY DYSKINESIA, PRIMARY, 28, WITH SITUS INVERSUS; Epilepsy, nocturnal frontal lobe, 5. Identifiers: Orphanet 98784, MedGen C3554306, MONDO:0014002, OMIM 615005.

Allele frequency attached by ClinVar (database versions not stated): gnomAD exomes 0.00006; ExAC 0.00008; 1000 Genomes Project 30x 0.00016; 1000 Genomes Project 0.00020; gnomAD 0.00022 and 0.00024; ESP Exome Variant Server 0.00023; TOPMed 0.00023.
gnomAD v4.1: 93 of 1,613,006 alleles (0.0058%); highest among the groups gnomAD compares: Middle Eastern, 0.26%; no homozygotes.

Submissions (6):

Labcorp Genetics (formerly Invitae), Labcorp
Classification: Likely benign for Autosomal dominant nocturnal frontal lobe epilepsy 5; Developmental and epileptic encephalopathy, 14. Last evaluated: 2026-01-26. Review status: criteria provided, single submitter. Criteria: Invitae Variant Classification Sherloc (09022015). Collection method: clinical testing. Allele origin: germline.

Blueprint Genetics
Classification: Likely benign. Last evaluated: 2023-12-13. Review status: criteria provided, single submitter. Criteria: ACMG Guidelines, 2015. Collection method: clinical testing. Allele origin: germline.

Genome-Nilou Lab
Classification: Likely benign for Developmental and epileptic encephalopathy, 14. Last evaluated: 2022-03-15. Review status: criteria provided, single submitter. Criteria: ACMG Guidelines, 2015. Collection method: clinical testing. Allele origin: germline. Affected: no.

Genome-Nilou Lab
Classification: Likely benign for Autosomal dominant nocturnal frontal lobe epilepsy 5. Last evaluated: 2022-03-15. Review status: criteria provided, single submitter. Criteria: ACMG Guidelines, 2015. Collection method: clinical testing. Allele origin: germline. Affected: no.

GeneDx
Classification: Likely benign. Last evaluated: 2018-02-16. Review status: criteria provided, single submitter. Criteria: GeneDx Variant Classification (06012015). Collection method: clinical testing. Allele origin: germline. Affected: yes.
Comment: This variant is considered likely benign or benign based on one or more of the following criteria: it is a conservative change, it occurs at a poorly conserved position in the protein, it is predicted to be benign by multiple in silico algorithms, and/or has population frequency not consistent with disease.

Ambry Genetics
Classification: Likely benign for Inborn genetic diseases. Last evaluated: 2017-02-06. Review status: criteria provided, single submitter. Criteria: Ambry Variant Classification Scheme 2023. Collection method: clinical testing. Allele origin: germline.

NM_020822.3(KCNT1):c.3162C>T (p.His1054=)

Gene: KCNT1 (potassium sodium-activated channel subfamily T member 1; plus strand). Cytogenetic location: 9q34.3.
Variant type: single nucleotide variant.
Coding change: c.3162C>T on transcript NM_020822.3 (MANE Select); coding-DNA position 3162, C replaced by T.
Protein change: p.His1054=; no amino-acid change (histidine 1054 retained).
Molecular consequence: synonymous variant.
Genome position (GRCh38, 1-based): chr9:135,785,315, C>T. VCF-style: chr9-135785315-C-T. GRCh37 (hg19) VCF-style: chr9-138677161-C-T.
Other names: c.3027C>T, p.His1009= (NM_001272003.2).
Identifiers: ClinVar variation 389499 (VCV000389499.18), dbSNP rs146272510, ClinGen allele CA5327658.
Genomic context (GRCh38, chr9:135,785,315, plus strand): 5'-CGTGGGGGGCAGGGGTGCGCCCACAGGTCCCAGACTGCGCCTGTTTCCTTTGCAGCCCCA[C>T]GACCTCAGAGCCCAGGTAAGCAACCCCTCCGTGCCCACGCAGCTTCTGCGGAGCACCAGA-3'
Protein context (NP_065873.2, residues 1044-1064): ESHVFSTSEP[His1054=]DLRAQSQISV